The following is an entry in ClinVar:

ClinVar aggregate classification (germline): Likely benign. Review status: criteria provided, multiple submitters, no conflicts (2 of 4 stars). 2 submissions from 2 submitters: Likely benign (2). Last evaluated 2026-09-01.

Allele frequency attached by ClinVar (database versions not stated): 1000 Genomes Project 0.00100; 1000 Genomes Project 30x 0.00141.
gnomAD v4.1: 1,125 of 398,712 alleles (0.28%); highest among the groups gnomAD compares: Non-Finnish European, 0.38%; 4 homozygotes.

Submissions (2):

CeGaT Center for Human Genetics Tuebingen
Classification: Likely benign. Last evaluated: 2026-09-01. Review status: criteria provided, single submitter. Criteria: CeGaT Center For Human Genetics Tuebingen Variant Classification Criteria Version 2. Collection method: clinical testing. Allele origin: germline. Affected: yes. Observed: 41 variant alleles.
Comment: KCNQ1OT1: BS2

Blueprint Genetics
Classification: Likely benign. Last evaluated: 2024-11-27. Review status: criteria provided, single submitter. Criteria: ACMG Guidelines, 2015. Collection method: clinical testing. Allele origin: germline.

NM_000218.3(KCNQ1):c.1514+24261G>C

Genes: KCNQ1 (potassium voltage-gated channel subfamily Q member 1; plus strand), KCNQ1OT1 (KCNQ1 opposite strand/antisense transcript 1; minus strand). Cytogenetic location: 11p15.5.
Variant type: single nucleotide variant.
Coding change: c.1514+24261G>C on transcript NM_000218.3 (MANE Select); 24261 bases into the intron after coding-DNA position 1514, G replaced by C.
Molecular consequence: intron variant.
Genome position (GRCh38, 1-based): chr11:2,686,342, G>C. VCF-style: chr11-2686342-G-C. GRCh37 (hg19) VCF-style: chr11-2707572-G-C.
Other names: c.1418+24261G>C (NM_001406836.1); c.974+24261G>C (NM_001406838.1); c.1133+24261G>C (NM_181798.2); c.1244+24261G>C (NM_001406837.1).
Identifiers: ClinVar variation 1711309 (VCV001711309.31), dbSNP rs576028523, ClinGen allele CA216189008.